The following is an entry in ClinVar:

NM_000391.4(TPP1):c.817G>T (p.Ala273Ser)

Gene: TPP1 (tripeptidyl peptidase 1; minus strand). Cytogenetic location: 11p15.4.
Variant type: single nucleotide variant.
Coding change: c.817G>T on transcript NM_000391.4 (MANE Select); coding-DNA position 817, G replaced by T.
Protein change: p.Ala273Ser; replaces alanine 273 with serine.
Molecular consequence: missense variant.
Genome position (GRCh38, 1-based): chr11:6,616,730, C>A on the plus strand (G>T on the coding strand, the complement: TPP1 is on the minus strand). VCF-style: chr11-6616730-C-A. GRCh37 (hg19) VCF-style: chr11-6637961-C-A.
Other names: short protein forms A273S.
Identifiers: ClinVar variation 1351932 (VCV001351932.6), dbSNP rs2134594292, ClinGen allele CA379475016.

ClinVar aggregate classification (germline): Uncertain significance (1 of 4 stars; one submission).

Submission:

Labcorp Genetics (formerly Invitae), Labcorp
Classification: Uncertain significance. Last evaluated: 2024-04-11. Review status: criteria provided, single submitter. Criteria: Invitae Variant Classification Sherloc (09022015). Collection method: clinical testing. Allele origin: germline.
Comment: This sequence change replaces alanine, which is neutral and non-polar, with serine, which is neutral and polar, at codon 273 of the TPP1 protein (p.Ala273Ser). This variant is not present in population databases (gnomAD no frequency). This variant has not been reported in the literature in individuals affected with TPP1-related conditions. ClinVar contains an entry for this variant (Variation ID: 1351932). Advanced modeling of protein sequence and biophysical properties (such as structural, functional, and spatial information, amino acid conservation, physicochemical variation, residue mobility, and thermodynamic stability) performed at Invitae indicates that this missense variant is expected to disrupt TPP1 protein function with a positive predictive value of 95%. In summary, the available evidence is currently insufficient to determine the role of this variant in disease. Therefore, it has been classified as a Variant of Uncertain Significance.